The following is an entry in ClinVar:

ClinVar aggregate classification (germline): Uncertain significance (1 of 4 stars; one submission).

Conditions:
Inborn genetic diseases. Identifiers: MedGen C0950123, MeSH D030342.

Allele frequency attached by ClinVar (database versions not stated): gnomAD exomes below 0.00001.
gnomAD v4.1: 1 of 1,613,898 alleles (0.000062%); highest among the groups gnomAD compares: Non-Finnish European, 0.000085%; no homozygotes.

Submission:

Ambry Genetics
Classification: Uncertain significance for Inborn genetic diseases. Last evaluated: 2023-02-09. Review status: criteria provided, single submitter. Criteria: Ambry Variant Classification Scheme 2023. Collection method: clinical testing. Allele origin: germline.
Comment: The p.K565E variant (also known as c.1693A>G), located in coding exon 15 of the LRRK2 gene, results from an A to G substitution at nucleotide position 1693. The lysine at codon 565 is replaced by glutamic acid, an amino acid with similar properties. This amino acid position is conserved. In addition, this alteration is predicted to be tolerated by in silico analysis. Since supporting evidence is limited at this time, the clinical significance of this alteration remains unclear.

NM_198578.4(LRRK2):c.1693A>G (p.Lys565Glu)

Gene: LRRK2 (leucine rich repeat kinase 2; plus strand). Cytogenetic location: 12q12.
Variant type: single nucleotide variant.
Coding change: c.1693A>G on transcript NM_198578.4 (MANE Select); coding-DNA position 1693, A replaced by G.
Protein change: p.Lys565Glu; replaces lysine 565 with glutamic acid.
Molecular consequence: missense variant.
Genome position (GRCh38, 1-based): chr12:40,274,619, A>G. VCF-style: chr12-40274619-A-G. GRCh37 (hg19) VCF-style: chr12-40668421-A-G.
Other names: short protein forms K565E.
Identifiers: ClinVar variation 2447288 (VCV002447288.2), dbSNP rs2499622708, ClinGen allele CA384402821.
Genomic context (GRCh38, chr12:40,274,619, plus strand): 5'-CAGCGAGTATTCTTTTGATTTTAGTTCATTGGAAATCCTGGGATTCAGAAATGTGGATTA[A>G]AAGTAATTTCTTCTATTGTACATTTTCCTGATGCATTAGAGATGTTATCCCTGGAAGGTG-3'
Protein context (NP_940980.4, residues 555-575): GNPGIQKCGL[Lys565Glu]VISSIVHFPD